The following is an entry in ClinVar:

ClinVar aggregate classification (germline): Uncertain significance (1 of 4 stars; one submission).

Conditions:
Hereditary breast ovarian cancer syndrome. Also called: Hereditary breast and ovarian cancer syndrome (HBOC); BRCA1- and BRCA2-Associated Hereditary Breast and Ovarian Cancer; Hereditary breast and/or ovarian cancer syndrome; Hereditary breast and ovarian cancer; Breast and ovarian cancer; Hereditary breast and ovarian cancer syndrome. Identifiers: Orphanet 145, MedGen C0677776, MeSH D061325, MONDO:0003582. Disease mechanism: loss of function.

Submission:

Labcorp Genetics (formerly Invitae), Labcorp
Classification: Uncertain significance for Hereditary breast ovarian cancer syndrome. Last evaluated: 2025-07-29. Review status: criteria provided, single submitter. Criteria: Invitae Variant Classification Sherloc (09022015). Collection method: clinical testing. Allele origin: germline.
Comment: This sequence change replaces proline, which is neutral and non-polar, with serine, which is neutral and polar, at codon 2804 of the BRCA2 protein (p.Pro2804Ser). This variant is not present in population databases (gnomAD no frequency). This variant has not been reported in the literature in individuals affected with BRCA2-related conditions. ClinVar contains an entry for this variant (Variation ID: 3672367). Invitae Evidence Modeling of protein sequence and biophysical properties (such as structural, functional, and spatial information, amino acid conservation, physicochemical variation, residue mobility, and thermodynamic stability) indicates that this missense variant is not expected to disrupt BRCA2 protein function with a negative predictive value of 95%. In summary, the available evidence is currently insufficient to determine the role of this variant in disease. Therefore, it has been classified as a Variant of Uncertain Significance.

NM_000059.4(BRCA2):c.8410C>T (p.Pro2804Ser)

Gene: BRCA2 (BRCA2 DNA repair associated; plus strand). Cytogenetic location: 13q13.1.
Variant type: single nucleotide variant.
Coding change: c.8410C>T on transcript NM_000059.4 (MANE Select); coding-DNA position 8410, C replaced by T.
Protein change: p.Pro2804Ser; replaces proline 2804 with serine.
Molecular consequence: missense variant. On other transcripts: non-coding transcript variant (1).
Genome position (GRCh38, 1-based): chr13:32,370,480, C>T. VCF-style: chr13-32370480-C-T. GRCh37 (hg19) VCF-style: chr13-32944617-C-T.
Other names: c.8314C>T, p.Pro2772Ser (NM_001406719.1); c.8410C>T, p.Pro2804Ser (NM_001406720.1, NM_001432077.1); c.3478C>T, p.Pro1160Ser (NM_001406721.1); c.1993C>T, p.Pro665Ser (NM_001406722.1); short protein forms P1160S, P2804S, P665S, P2772S.
Identifiers: ClinVar variation 3672367 (VCV003672367.2).